The following is an entry in ClinVar:

NM_006218.4(PIK3CA):c.1871C>G (p.Thr624Arg)

Gene: PIK3CA (phosphatidylinositol-4,5-bisphosphate 3-kinase catalytic subunit alpha; plus strand). Cytogenetic location: 3q26.32.
Variant type: single nucleotide variant.
Coding change: c.1871C>G on transcript NM_006218.4 (MANE Select); coding-DNA position 1871, C replaced by G.
Protein change: p.Thr624Arg; replaces threonine 624 with arginine.
Molecular consequence: missense variant.
Genome position (GRCh38, 1-based): chr3:179,219,695, C>G. VCF-style: chr3-179219695-C-G. GRCh37 (hg19) VCF-style: chr3-178937483-C-G.
Other names: short protein forms T624R.
Identifiers: ClinVar variation 5026673 (VCV005026673.1).
Genomic context (GRCh38, chr3:179,219,695, plus strand): 5'-GTAATTACCCAGATCCTATGGTTCGAGGTTTTGCTGTTCGGTGCTTGGAAAAATATTTAA[C>G]AGATGACAAACTTTCTCAGTATTTAATTCAGCTAGTACAGGTAAAATAATGTAAAATAGT-3'
Protein context (NP_006209.2, residues 614-634): FAVRCLEKYL[Thr624Arg]DDKLSQYLIQ

ClinVar aggregate classification (germline): Uncertain significance (1 of 4 stars; one submission).

Conditions:
Inborn genetic diseases. Identifiers: MedGen C0950123, MeSH D030342.

Submission:

Ambry Genetics
Classification: Uncertain significance for Inborn genetic diseases. Last evaluated: 2026-06-17. Review status: criteria provided, single submitter. Criteria: Ambry Variant Classification Scheme 2023. Collection method: clinical testing. Allele origin: germline.
Comment: The p.T624R variant (also known as c.1871C>G), located in coding exon 11 of the PIK3CA gene, results from a C to G substitution at nucleotide position 1871. The threonine at codon 624 is replaced by arginine, an amino acid with similar properties. This amino acid position is conserved. In addition, this alteration is predicted to be deleterious by in silico analysis. Based on the available evidence, the clinical significance of this variant remains unclear.